The following is an entry in ClinVar:

ClinVar aggregate classification (germline): Pathogenic. Review status: criteria provided, multiple submitters, no conflicts (2 of 4 stars). 2 submissions from 2 submitters: Pathogenic (2). Last evaluated 2025-03-13.
ClinVar aggregate classification (somatic clinical impact): Tier I - Strong (1 of 4 stars; one submission).

Conditions:
Hereditary cancer-predisposing syndrome. Also called: Neoplastic Syndromes, Hereditary; Tumor predisposition; Hereditary neoplastic syndrome; Hereditary Cancer Syndrome. Identifiers: Orphanet 140162, MedGen C0027672, MeSH D009386, MONDO:0015356.
Retinoblastoma (RB1). Also called: RETINOBLASTOMA, SOMATIC. Identifiers: Orphanet 790, MedGen C0035335, MeSH D012175, MONDO:0008380, OMIM 180200, HP:0009919. Disease mechanism: loss of function. Inheritance: Both sporadic and heritable forms are tested..

Submissions (3):

Ambry Genetics
Classification: Pathogenic for Hereditary cancer-predisposing syndrome. Last evaluated: 2025-03-13. Review status: criteria provided, single submitter. Criteria: Ambry Variant Classification Scheme 2023. Collection method: clinical testing. Allele origin: germline.
Comment: The c.289delG pathogenic mutation, located in coding exon 3 of the RB1 gene, results from a deletion of one nucleotide at nucleotide position 289, causing a translational frameshift with a predicted alternate stop codon (p.E97Nfs*14). This variant was reported in individual(s) with features consistent with RB1-related hereditary retinoblastoma (Ambry internal data). This variant is considered to be rare based on population cohorts in the Genome Aggregation Database (gnomAD). This alteration is expected to result in loss of function by premature protein truncation or nonsense-mediated mRNA decay. As such, this alteration is interpreted as a disease-causing mutation.

Genetic Diagnostic Laboratory, University of Pennsylvania School of Medicine
Classification: Pathogenic for Retinoblastoma. Last evaluated: 2024-05-20. Review status: criteria provided, single submitter. Criteria: ACMG Guidelines, 2015. Collection method: clinical testing. Allele origin: germline. Affected: yes. Observed: 1 variant allele.
Comment: Case and Pedigree Information: BILATERAL CASES:1, UNILATERAL CASES:0, TOTAL CASES:1, PEDIGREES:1. ACMG Codes Applied:PVS1, PM2

Institute for Genomic Medicine (IGM) Clinical Laboratory, Nationwide Children's Hospital
Classification: Tier I - Strong for Retinoblastoma. Assertion type: diagnostic. Clinical significance: supports diagnosis. Last evaluated: 2023-05-12. Review status: criteria provided, single submitter. Criteria: AMP/ASCO/CAP Guidelines, 2017. Collection method: clinical testing. Allele origin: somatic. Affected: yes.
Comment: Variant has Tier I (strong) clinical significance as a diagnostic inclusion criterion in retinoblastoma, based on the following evidence: 1) Diagnostic for a specific tumor type/classification according to professional guidelines (Evidence Level A).

NM_000321.3(RB1):c.289del (p.Glu97fs)

Gene: RB1 (RB transcriptional corepressor 1; plus strand). Cytogenetic location: 13q14.2.
Variant type: Deletion.
Coding change: c.289del on transcript NM_000321.3 (MANE Select); coding-DNA position 289, one base deleted (G; older notation c.289delG).
Protein change: p.Glu97fs; shifts the reading frame from glutamic acid 97.
Molecular consequence: frameshift variant.
Genome position (GRCh38, 1-based): chr13:48,342,623, G deleted; the last of 2 consecutive G bases (chr13:48,342,622-48,342,623); deleting either gives the same sequence. VCF-style (leftmost placement, unchanged base first): chr13-48342621-AG-A. GRCh37 (hg19) VCF-style: chr13-48916757-AG-A.
Other names: c.289del, p.Glu97fs (NM_001407165.1, NM_001407166.1); short protein forms E97fs.
Identifiers: ClinVar variation 3237121 (VCV003237121.3), dbSNP rs2542155892.